The following is an entry in ClinVar:

ClinVar aggregate classification (germline): Conflicting classifications of pathogenicity. Review status: criteria provided, conflicting classifications (1 of 4 stars). 2 submissions from 2 submitters: Likely pathogenic (1); Uncertain significance (1). Last evaluated 2025-08-15.

Conditions:
PCSK1-related disorder. Also called: PCSK1-related condition.

gnomAD v4.1: 16 of 1,614,024 alleles (0.00099%); highest among the groups gnomAD compares: Admixed American, 0.0017%; no homozygotes.

Submissions (2):

PreventionGenetics, part of Exact Sciences
Classification: Uncertain significance for PCSK1-related condition. Last evaluated: 2025-08-15. Review status: criteria provided, single submitter. Criteria: ACMG Guidelines, 2015. Collection method: clinical testing. Allele origin: germline.
Comment: The PCSK1 c.1269C>A variant is predicted to result in the amino acid substitution p.Asn423Lys. This variant was reported in an obese individual with chronic severe diarrhea in childhood and functional studies suggest it is able to be secreted but results in reduced activity and is unable to be processed into a mature protein (Martín et al. 2013. PubMed ID: 23562752). Another functional study also showed strong evidence of loss of function (Table 3 and Supplemental Data Set, Shah et al. 2023. PubMed ID: 36864747). This variant is reported in 0.0053% of alleles in individuals of European (non-Finnish) descent in gnomAD. Although we suspect this variant may be pathogenic, at this time, the clinical significance of this variant is uncertain due to the absence of conclusive functional and genetic evidence.

Blueprint Genetics
Classification: Likely pathogenic for PCSK1-related disorders. Last evaluated: 2024-09-03. Review status: criteria provided, single submitter. Criteria: ACMG Guidelines, 2015. Collection method: clinical testing. Allele origin: germline. Affected: yes. Observed: 5 variant alleles.

NM_000439.5(PCSK1):c.1269C>A (p.Asn423Lys)

Genes: CAST (calpastatin; plus strand), PCSK1 (proprotein convertase subtilisin/kexin type 1; minus strand), LOC101929710 (uncharacterized LOC101929710; plus strand). Cytogenetic location: 5q15.
Variant type: single nucleotide variant.
Coding change: c.1269C>A on transcript NM_000439.5 (MANE Select); coding-DNA position 1269, C replaced by A.
Protein change: p.Asn423Lys; replaces asparagine 423 with lysine.
Molecular consequence: missense variant. On other transcripts: intron variant (11).
Genome position (GRCh38, 1-based): chr5:96,400,114, G>T on the plus strand (C>A on the coding strand, the complement: PCSK1 is on the minus strand). VCF-style: chr5-96400114-G-T. GRCh37 (hg19) VCF-style: chr5-95735818-G-T.
Other names: c.1128C>A, p.Asn376Lys (NM_001177875.2); c.-175+20462G>T (NM_001423254.1, NM_001423259.1, NM_001423255.1 and 6 more transcripts); c.-103+20462G>T (NM_001423253.1); c.-40+20462G>T (NM_001423258.1); short protein forms N376K, N423K.
Identifiers: ClinVar variation 3350810 (VCV003350810.3).